The following is an entry in ClinVar:

ClinVar aggregate classification (germline): Likely benign (0 of 4 stars; one submission).

Conditions:
PLXNA3-related disorder. Also called: PLXNA3-related condition.

Allele frequency attached by ClinVar (database versions not stated): gnomAD exomes below 0.00001; gnomAD 0.00002; TOPMed 0.00003.

Submission:

PreventionGenetics, part of Exact Sciences
Classification: Likely benign for PLXNA3-related condition. Last evaluated: 2023-04-12. Review status: no assertion criteria provided. Collection method: clinical testing. Allele origin: germline.
Comment: This variant is classified as likely benign based on ACMG/AMP sequence variant interpretation guidelines (Richards et al. 2015 PMID: 25741868, with internal and published modifications).

NM_017514.5(PLXNA3):c.1500C>T (p.Cys500=)

Gene: PLXNA3 (plexin A3; plus strand). Cytogenetic location: Xq28.
Variant type: single nucleotide variant.
Coding change: c.1500C>T on transcript NM_017514.5 (MANE Select); coding-DNA position 1500, C replaced by T.
Protein change: p.Cys500=; no amino-acid change (cysteine 500 retained).
Molecular consequence: synonymous variant.
Genome position (GRCh38, 1-based): chrX:154,463,643, C>T. VCF-style: chrX-154463643-C-T. GRCh37 (hg19) VCF-style: chrX-153691986-C-T.
Identifiers: ClinVar variation 3030608 (VCV003030608.2), dbSNP rs1027389426, ClinGen allele CA337315589.